The following is an entry in ClinVar:

NM_006208.3(ENPP1):c.1217G>A (p.Gly406Asp)

Gene: ENPP1 (ectonucleotide pyrophosphatase/phosphodiesterase 1; plus strand). Cytogenetic location: 6q23.2.
Variant type: single nucleotide variant.
Coding change: c.1217G>A on transcript NM_006208.3 (MANE Select); coding-DNA position 1217, G replaced by A.
Protein change: p.Gly406Asp; replaces glycine 406 with aspartic acid.
Molecular consequence: missense variant.
Genome position (GRCh38, 1-based): chr6:131,868,070, G>A. VCF-style: chr6-131868070-G-A. GRCh37 (hg19) VCF-style: chr6-132189210-G-A.
Other names: short protein forms G406D.
Identifiers: ClinVar variation 4743922 (VCV004743922.1).
Genomic context (GRCh38, chr6:131,868,070, plus strand): 5'-ATTCTTAGGTCATCAAAGCCTTGCAGAGGGTTGATGGTATGGTTGGTATGCTGATGGATG[G>A]TCTGAAAGAGCTGAACTTGCACAGATGCCTGAACCTCATCCTTATTTCAGATCATGGTAA-3'
Protein context (NP_006199.2, residues 396-416): VDGMVGMLMD[Gly406Asp]LKELNLHRCL

ClinVar aggregate classification (germline): Uncertain significance (1 of 4 stars; one submission).

Submission:

Labcorp Genetics (formerly Invitae), Labcorp
Classification: Uncertain significance. Last evaluated: 2025-04-17. Review status: criteria provided, single submitter. Criteria: Invitae Variant Classification Sherloc (09022015). Collection method: clinical testing. Allele origin: germline.
Comment: This sequence change replaces glycine, which is neutral and non-polar, with aspartic acid, which is acidic and polar, at codon 406 of the ENPP1 protein (p.Gly406Asp). This variant is not present in population databases (gnomAD no frequency). This variant has not been reported in the literature in individuals affected with ENPP1-related conditions. Invitae Evidence Modeling of protein sequence and biophysical properties (such as structural, functional, and spatial information, amino acid conservation, physicochemical variation, residue mobility, and thermodynamic stability) indicates that this missense variant is expected to disrupt ENPP1 protein function with a positive predictive value of 80%. In summary, the available evidence is currently insufficient to determine the role of this variant in disease. Therefore, it has been classified as a Variant of Uncertain Significance.